The following is an entry in ClinVar:

ClinVar aggregate classification (germline): Pathogenic (1 of 4 stars; one submission).

Conditions:
Intellectual developmental disorder, autosomal dominant 29. Also called: SETBP1 Haploinsufficiency Disorder; Intellectual disability, autosomal dominant 29. Identifiers: Orphanet 436151, MedGen C4015141, MONDO:0014482, OMIM 616078.

Submission:

Institute of Human Genetics, University of Leipzig Medical Center
Classification: Pathogenic for Intellectual developmental disorder, autosomal dominant 29. Last evaluated: 2024-10-18. Review status: criteria provided, single submitter. Criteria: ACMG Guidelines, 2015. Collection method: clinical testing. Allele origin: de novo. Inheritance: Autosomal dominant inheritance. Affected: yes.
Comment: Criteria applied: PVS1,PS2_MOD,PM2

NM_015559.3(SETBP1):c.334del (p.Arg112fs)

Gene: SETBP1 (SET binding protein 1; plus strand). Cytogenetic location: 18q12.3.
Variant type: Deletion.
Coding change: c.334del on transcript NM_015559.3 (MANE Select); coding-DNA position 334, one base deleted (C; older notation c.334delC).
Protein change: p.Arg112fs; shifts the reading frame from arginine 112.
Molecular consequence: frameshift variant.
Genome position (GRCh38, 1-based): chr18:44,701,680, C deleted. VCF-style (leftmost placement, unchanged base first): chr18-44701679-GC-G. GRCh37 (hg19) VCF-style: chr18-42281644-GC-G.
Other names: c.334del, p.Arg112fs (NM_001130110.2, NM_001379141.1, NM_001379142.1 and 1 more transcripts); short protein forms R112fs.
Identifiers: ClinVar variation 3376129 (VCV003376129.3).